The following is an entry in ClinVar:

NM_000051.4(ATM):c.4794C>G (p.Leu1598=)

Gene: ATM (ATM serine/threonine kinase; plus strand). Cytogenetic location: 11q22.3.
Variant type: single nucleotide variant.
Coding change: c.4794C>G on transcript NM_000051.4 (MANE Select); coding-DNA position 4794, C replaced by G.
Protein change: p.Leu1598=; no amino-acid change (leucine 1598 retained).
Molecular consequence: synonymous variant.
Genome position (GRCh38, 1-based): chr11:108,294,944, C>G. VCF-style: chr11-108294944-C-G. GRCh37 (hg19) VCF-style: chr11-108165671-C-G.
Other names: c.4794C>G, p.Leu1598= (NM_001351834.2).
Identifiers: ClinVar variation 2752935 (VCV002752935.4), dbSNP rs2083034493, ClinGen allele CA382536308.

ClinVar aggregate classification (germline): Benign/Likely benign. Review status: criteria provided, multiple submitters, no conflicts (2 of 4 stars). 2 submissions from 2 submitters: Benign (1); Likely benign (1). Last evaluated 2024-05-21.

Conditions:
Ataxia-telangiectasia syndrome (AT). Also called: LOUIS-BAR SYNDROME; AT, COMPLEMENTATION GROUP C; ATAXIA-TELANGIECTASIA, COMPLEMENTATION GROUP A; ATAXIA-TELANGIECTASIA, FRESNO VARIANT; Ataxia-telangiectasia; Cerebello-oculocutaneous telangiectasia. Identifiers: Orphanet 100, MedGen C0004135, MONDO:0008840, OMIM 208900.
Familial cancer of breast. Also called: Hereditary breast cancer; hereditary breast carcinoma; BREAST CANCER, FAMILIAL. Identifiers: Orphanet 227535, MedGen C0346153, MONDO:0016419, OMIM 114480. Disease mechanism: loss of function.

Submissions (2):

Myriad Genetics, Inc.
Classification: Benign for Familial cancer of breast. Last evaluated: 2024-05-21. Review status: criteria provided, single submitter. Criteria: Myriad Autosomal Dominant, Autosomal Recessive and X-Linked Classification Criteria (2023). Collection method: clinical testing. Allele origin: unknown.
Comment: This variant is considered benign. This variant is a silent/synonymous amino acid change and it is not expected to impact splicing.

Labcorp Genetics (formerly Invitae), Labcorp
Classification: Likely benign for Ataxia-telangiectasia syndrome. Last evaluated: 2023-08-16. Review status: criteria provided, single submitter. Criteria: Invitae Variant Classification Sherloc (09022015). Collection method: clinical testing. Allele origin: germline.